The following is an entry in ClinVar:

ClinVar aggregate classification (germline): Likely pathogenic (1 of 4 stars; one submission).

Conditions:
RUNX2-related disorder. Also called: RUNX2-related condition.

Submission:

PreventionGenetics, part of Exact Sciences
Classification: Likely pathogenic for RUNX2-related condition. Last evaluated: 2024-12-18. Review status: criteria provided, single submitter. Criteria: ACMG Guidelines, 2015. Collection method: clinical testing. Allele origin: germline.
Comment: The RUNX2 c.685+26444A>G variant is predicted to interfere with splicing. This variant is predicted to create a cryptic splice donor site (SpliceAI, Jaganathan et al. 2019. PubMed ID: 30661751; Alamut Visual Plus v1.6.1). To our knowledge, this variant has not been reported in the literature or in a large population database, indicating this variant is rare. This variant is classified as likely pathogenic.

NM_001024630.4(RUNX2):c.685+26444A>G

Gene: RUNX2 (RUNX family transcription factor 2; plus strand). Cytogenetic location: 6p21.1.
Variant type: single nucleotide variant.
Coding change: c.685+26444A>G on transcript NM_001024630.4 (MANE Select); 26444 bases into the intron after coding-DNA position 685, A replaced by G.
Molecular consequence: intron variant.
Genome position (GRCh38, 1-based): chr6:45,464,495, A>G. VCF-style: chr6-45464495-A-G. GRCh37 (hg19) VCF-style: chr6-45432232-A-G.
Other names: c.685+26444A>G (NM_001015051.4); c.643+26444A>G (NM_001369405.1, NM_001278478.2).
Identifiers: ClinVar variation 3347501 (VCV003347501.2).
Genomic context (GRCh38, chr6:45,464,495, plus strand): 5'-GGCTAGAATGATGACATGAGAATAATGTAAAGTGAAATACAAGTCCTTTACTTCTTTTTG[A>G]TAAGTGTCAGCATTCTAAAACTCTATCTACAGCGGCCCTTGGGTTGCATGAGCTGCTTCA-3'